The following is an entry in ClinVar:

NM_004560.4(ROR2):c.2349C>T (p.Asn783=)

Gene: ROR2 (ROR family WNT receptor 2; minus strand). Cytogenetic location: 9q22.31.
Variant type: single nucleotide variant.
Coding change: c.2349C>T on transcript NM_004560.4 (MANE Select); coding-DNA position 2349, C replaced by T.
Protein change: p.Asn783=; no amino-acid change (asparagine 783 retained).
Molecular consequence: synonymous variant.
Genome position (GRCh38, 1-based): chr9:91,724,145, G>A on the plus strand (C>T on the coding strand, the complement: ROR2 is on the minus strand). VCF-style: chr9-91724145-G-A. GRCh37 (hg19) VCF-style: chr9-94486427-G-A.
Identifiers: ClinVar variation 800019 (VCV000800019.8), dbSNP rs761291207, ClinGen allele CA5120418.

ClinVar aggregate classification (germline): Likely benign. Review status: criteria provided, multiple submitters, no conflicts (2 of 4 stars). 2 submissions from 2 submitters: Likely benign (2). Last evaluated 2026-01-01.

Allele frequency attached by ClinVar (database versions not stated): gnomAD 0.00001; TOPMed 0.00003; ExAC 0.00004; gnomAD exomes 0.00004.

Submissions (2):

CeGaT Center for Human Genetics Tuebingen
Classification: Likely benign. Last evaluated: 2026-01-01. Review status: criteria provided, single submitter. Criteria: CeGaT Center For Human Genetics Tuebingen Variant Classification Criteria Version 2. Collection method: clinical testing. Allele origin: germline. Affected: yes. Observed: 1 variant allele.
Comment: ROR2: BP4, BP7

Labcorp Genetics (formerly Invitae), Labcorp
Classification: Likely benign. Last evaluated: 2019-12-31. Review status: criteria provided, single submitter. Criteria: Invitae Variant Classification Sherloc (09022015). Collection method: clinical testing. Allele origin: germline.